The following is an entry in ClinVar:

ClinVar aggregate classification (germline): Pathogenic/Likely pathogenic. Review status: criteria provided, multiple submitters, no conflicts (2 of 4 stars). 2 submissions from 2 submitters: Pathogenic (1); Likely pathogenic (1). Last evaluated 2024-09-23.

Submissions (2):

Quest Diagnostics Nichols Institute San Juan Capistrano
Classification: Likely pathogenic. Last evaluated: 2024-09-23. Review status: criteria provided, single submitter. Criteria: Quest Diagnostics criteria. Collection method: clinical testing. Allele origin: unknown.
Comment: The PTCH1 c.343G>T (p.Gly115*) variant is predicted to cause the premature termination of PTCH1 protein synthesis. To the best of our knowledge, this variant has not been reported in individuals with PTCH1-related conditions in the published literature. It has been observed in a reportedly healthy individual in a population-based screening study (PMID: 32906206 (2020), see also LOVD). This variant has not been reported in large, multi-ethnic general populations (Genome Aggregation Database). Based on the available information, this variant is classified as likely pathogenic.

Eurofins Ntd Llc (ga)
Classification: Pathogenic. Last evaluated: 2014-12-15. Review status: criteria provided, single submitter. Criteria: EGL Classification Definitions 2015. Collection method: clinical testing. Allele origin: germline. Observed: 2 variant alleles, 2 heterozygotes.

Literature cited by the submitters: PubMed 32906206 (cited by Quest Diagnostics Nichols Institute San Juan Capistrano).

NM_000264.5(PTCH1):c.343G>T (p.Gly115Ter)

Gene: PTCH1 (patched 1; minus strand). Cytogenetic location: 9q22.32.
Variant type: single nucleotide variant.
Coding change: c.343G>T on transcript NM_000264.5 (MANE Select); coding-DNA position 343, G replaced by T.
Protein change: p.Gly115Ter; replaces glycine 115 with a stop codon.
Molecular consequence: nonsense. On other transcripts: 5 prime UTR variant (4), non-coding transcript variant (1).
Genome position (GRCh38, 1-based): chr9:95,506,458, C>A on the plus strand (G>T on the coding strand, the complement: PTCH1 is on the minus strand). VCF-style: chr9-95506458-C-A. GRCh37 (hg19) VCF-style: chr9-98268740-C-A.
Other names: c.145G>T, p.Gly49Ter (NM_001083602.3, NM_001354919.2); c.340G>T, p.Gly114Ter (NM_001083603.3); c.-111G>T (NM_001083604.3, NM_001083605.3, NM_001083606.3 and 1 more transcripts); c.343G>T, p.Gly115Ter (NM_001354918.2); c.343G>T (NM_000264.4); short protein forms G115*, G49*, G114*.
Identifiers: ClinVar variation 195052 (VCV000195052.6), dbSNP rs794727242, ClinGen allele CA275065.
Genomic context (GRCh38, chr9:95,506,458, plus strand): 5'-CGCTCTTACCTTCCACCCACAGCTCCTCCACGTTGGTCTCGAGGTTCGCTGCTTTTAATC[C>A]CACCGCGAAGGCCCCAAATATGAGGAGGCCCACAACCAAGAACTTGCCGCAGTTTTTTTG-3'